The following is an entry in ClinVar:

NM_172107.4(KCNQ2):c.1414A>G (p.Ser472Gly)

Gene: KCNQ2 (potassium voltage-gated channel subfamily Q member 2; minus strand). Cytogenetic location: 20q13.33.
Variant type: single nucleotide variant.
Coding change: c.1414A>G on transcript NM_172107.4 (MANE Select); coding-DNA position 1414, A replaced by G.
Protein change: p.Ser472Gly; replaces serine 472 with glycine.
Molecular consequence: missense variant.
Genome position (GRCh38, 1-based): chr20:63,415,014, T>C on the plus strand (A>G on the coding strand, the complement: KCNQ2 is on the minus strand). VCF-style: chr20-63415014-T-C. GRCh37 (hg19) VCF-style: chr20-62046367-T-C.
Other names: c.1360A>G, p.Ser454Gly (NM_001382235.1, NM_172106.3); c.1330A>G, p.Ser444Gly (NM_004518.6); c.1324A>G, p.Ser442Gly (NM_172108.5); short protein forms S444G, S454G, S472G, S442G.
Identifiers: ClinVar variation 2246436 (VCV002246436.6), dbSNP rs2516187376, ClinGen allele CA409646630.

ClinVar aggregate classification (germline): Uncertain significance. Review status: criteria provided, multiple submitters, no conflicts (2 of 4 stars). 3 submissions from 3 submitters: Uncertain significance (3). Last evaluated 2024-11-26.

Conditions:
Early-infantile DEE. Also called: Ohtahara syndrome; Early infantile epileptic encephalopathy; Early infantile epileptic encephalopathy with suppression bursts. Identifiers: Orphanet 1934, MedGen C0393706, MONDO:0800491.
Inborn genetic diseases. Identifiers: MedGen C0950123, MeSH D030342.

Submissions (3):

GeneDx
Classification: Uncertain significance. Last evaluated: 2024-11-26. Review status: criteria provided, single submitter. Criteria: GeneDx Variant Classification Process June 2021. Collection method: clinical testing. Allele origin: germline. Affected: yes.
Comment: Not observed at significant frequency in large population cohorts (gnomAD); In silico analysis indicates that this missense variant does not alter protein structure/function; Has not been previously published as pathogenic or benign to our knowledge; This substitution is predicted to be within the C-terminal cytoplasmic domain

Labcorp Genetics (formerly Invitae), Labcorp
Classification: Uncertain significance for Early-infantile DEE. Last evaluated: 2023-06-14. Review status: criteria provided, single submitter. Criteria: Invitae Variant Classification Sherloc (09022015). Collection method: clinical testing. Allele origin: germline.
Comment: This sequence change replaces serine, which is neutral and polar, with glycine, which is neutral and non-polar, at codon 472 of the KCNQ2 protein (p.Ser472Gly). In summary, the available evidence is currently insufficient to determine the role of this variant in disease. Therefore, it has been classified as a Variant of Uncertain Significance. An algorithm developed to predict the effect of missense changes on protein structure and function (PolyPhen-2) suggests that this variant is likely to be tolerated. ClinVar contains an entry for this variant (Variation ID: 2246436). This variant has not been reported in the literature in individuals affected with KCNQ2-related conditions. This variant is not present in population databases (gnomAD no frequency).

Ambry Genetics
Classification: Uncertain significance for Inborn genetic diseases. Last evaluated: 2021-08-17. Review status: criteria provided, single submitter. Criteria: Ambry Variant Classification Scheme 2023. Collection method: clinical testing. Allele origin: germline.